The following is an entry in ClinVar:

NM_000384.3(APOB):c.1386G>C (p.Glu462Asp)

Gene: APOB (apolipoprotein B; minus strand). Cytogenetic location: 2p24.1.
Variant type: single nucleotide variant.
Coding change: c.1386G>C on transcript NM_000384.3 (MANE Select); coding-DNA position 1386, G replaced by C.
Protein change: p.Glu462Asp; replaces glutamic acid 462 with aspartic acid.
Molecular consequence: missense variant.
Genome position (GRCh38, 1-based): chr2:21,029,982, C>G on the plus strand (G>C on the coding strand, the complement: APOB is on the minus strand). VCF-style: chr2-21029982-C-G. GRCh37 (hg19) VCF-style: chr2-21252854-C-G.
Other names: c.1386G>C (NM_000384.2); short protein forms E462D.
Identifiers: ClinVar variation 1975855 (VCV001975855.6), dbSNP rs1553386360, ClinGen allele CA346015392.

ClinVar aggregate classification (germline): Conflicting classifications of pathogenicity. Review status: criteria provided, conflicting classifications (1 of 4 stars). 2 submissions from 2 submitters: Uncertain significance (1); Likely benign (1). Last evaluated 2025-05-24.

Conditions:
Familial hypobetalipoproteinemia 1. Also called: Hypobetalipoproteinemia, normotriglyceridemic; Acanthocytosis with hypobetalipoproteinemia; APOB-Related Familial Hypobetalipoproteinemia. Identifiers: MedGen C4551990, MONDO:0014252, OMIM 615558.
Hypercholesterolemia, autosomal dominant, type B (FHCL2). Also called: APOB-Related Familial Hypercholesterolemia, Autosomal Dominant; Familial Hypercholesterolemia Type B; APOLIPOPROTEIN B-100, FAMILIAL DEFECTIVE; APOLIPOPROTEIN B-100, FAMILIAL LIGAND-DEFECTIVE; HYPERCHOLESTEROLEMIA, FAMILIAL, DUE TO LIGAND-DEFECTIVE APOLIPOPROTEIN B; Familial hypercholesterolemia 2. Identifiers: MedGen C1704417, MONDO:0007751, OMIM 144010.
Cardiovascular phenotype. Identifiers: MedGen CN230736.

Submissions (2):

Ambry Genetics
Classification: Likely benign for Cardiovascular phenotype. Last evaluated: 2025-05-24. Review status: criteria provided, single submitter. Criteria: Ambry Variant Classification Scheme 2023. Collection method: clinical testing. Allele origin: germline.

Labcorp Genetics (formerly Invitae), Labcorp
Classification: Uncertain significance for Familial hypobetalipoproteinemia 1; Hypercholesterolemia, autosomal dominant, type B. Last evaluated: 2022-05-01. Review status: criteria provided, single submitter. Criteria: Invitae Variant Classification Sherloc (09022015). Collection method: clinical testing. Allele origin: germline.
Comment: In summary, the available evidence is currently insufficient to determine the role of this variant in disease. Therefore, it has been classified as a Variant of Uncertain Significance. Algorithms developed to predict the effect of missense changes on protein structure and function output the following: SIFT: "Tolerated"; PolyPhen-2: "Benign"; Align-GVGD: "Class C0". The aspartic acid amino acid residue is found in multiple mammalian species, which suggests that this missense change does not adversely affect protein function. This variant has not been reported in the literature in individuals affected with APOB-related conditions. This variant is not present in population databases (gnomAD no frequency). This sequence change replaces glutamic acid, which is acidic and polar, with aspartic acid, which is acidic and polar, at codon 462 of the APOB protein (p.Glu462Asp).